The following is an entry in ClinVar:

NM_021930.6(RINT1):c.568A>G (p.Thr190Ala)

Gene: RINT1 (RAD50 interactor 1; plus strand). Cytogenetic location: 7q22.3.
Variant type: single nucleotide variant.
Coding change: c.568A>G on transcript NM_021930.6 (MANE Select); coding-DNA position 568, A replaced by G.
Protein change: p.Thr190Ala; replaces threonine 190 with alanine.
Molecular consequence: missense variant. On other transcripts: 5 prime UTR variant (2), non-coding transcript variant (1), intron variant (1).
Genome position (GRCh38, 1-based): chr7:105,546,962, A>G. VCF-style: chr7-105546962-A-G. GRCh37 (hg19) VCF-style: chr7-105187409-A-G.
Other names: c.334A>G, p.Thr112Ala (NM_001346599.2); c.-452A>G (NM_001346600.2); c.-355A>G (NM_001346601.2); c.-27-3093A>G (NM_001346603.2); c.568A>G (NM_021930.4); short protein forms T112A, T190A.
Identifiers: ClinVar variation 1470889 (VCV001470889.7), dbSNP rs1271923575, ClinGen allele CA368805370.
Genomic context (GRCh38, chr7:105,546,962, plus strand): 5'-GTTTACAGTGATAACATTCAGCAATATCTGATGACCAATAATGTACCGGAGGCAGCCTCC[A>G]CTCTAGTGTCTATGGCAGAACTTGACATTAAACTTCAGGAATCATCTTGTACTCATCTTC-3'
Protein context (NP_068749.3, residues 180-200): MTNNVPEAAS[Thr190Ala]LVSMAELDIK

ClinVar aggregate classification (germline): Uncertain significance. Review status: criteria provided, multiple submitters, no conflicts (2 of 4 stars). 2 submissions from 2 submitters: Uncertain significance (2). Last evaluated 2023-03-08.

Submissions (2):

Ambry Genetics
Classification: Uncertain significance. Last evaluated: 2023-03-08. Review status: criteria provided, single submitter. Criteria: Ambry Variant Classification Scheme 2023. Collection method: clinical testing. Allele origin: germline.
Comment: The p.T190A variant (also known as c.568A>G), located in coding exon 5 of the RINT1 gene, results from an A to G substitution at nucleotide position 568. The threonine at codon 190 is replaced by alanine, an amino acid with similar properties. This amino acid position is conserved. In addition, this alteration is predicted to be tolerated by in silico analysis. Since supporting evidence is limited at this time, the clinical significance of this alteration remains unclear.

Labcorp Genetics (formerly Invitae), Labcorp
Classification: Uncertain significance. Last evaluated: 2021-10-19. Review status: criteria provided, single submitter. Criteria: Invitae Variant Classification Sherloc (09022015). Collection method: clinical testing. Allele origin: germline.
Comment: This variant has not been reported in the literature in individuals affected with RINT1-related conditions. Algorithms developed to predict the effect of missense changes on protein structure and function (SIFT, PolyPhen-2, Align-GVGD) all suggest that this variant is likely to be tolerated. In summary, the available evidence is currently insufficient to determine the role of this variant in disease. Therefore, it has been classified as a Variant of Uncertain Significance. This variant is not present in population databases (ExAC no frequency). This sequence change replaces threonine with alanine at codon 190 of the RINT1 protein (p.Thr190Ala). The threonine residue is moderately conserved and there is a small physicochemical difference between threonine and alanine.